The following is an entry in ClinVar:

NM_013296.5(GPSM2):c.792C>G (p.Tyr264Ter)

Gene: GPSM2 (G protein signaling modulator 2; plus strand). Cytogenetic location: 1p13.3.
Variant type: single nucleotide variant.
Coding change: c.792C>G on transcript NM_013296.5 (MANE Select); coding-DNA position 792, C replaced by G.
Protein change: p.Tyr264Ter; replaces tyrosine 264 with a stop codon.
Molecular consequence: nonsense.
Genome position (GRCh38, 1-based): chr1:108,898,989, C>G. VCF-style: chr1-108898989-C-G. GRCh37 (hg19) VCF-style: chr1-109441611-C-G.
Other names: c.792C>G, p.Tyr264Ter (NM_001321038.2, NM_001321039.3); short protein forms Y264*.
Identifiers: ClinVar variation 4879348 (VCV004879348.1).

ClinVar aggregate classification (germline): Likely pathogenic (1 of 4 stars; one submission).

Conditions:
Chudley-McCullough syndrome (CMCS). Also called: DEAFNESS, SENSORINEURAL, WITH PARTIAL AGENESIS OF THE CORPUS CALLOSUM AND ARACHNOID CYSTS; Deafness, autosomal recessive 82. Identifiers: Orphanet 314597, MedGen C1858695, MONDO:0011411, OMIM 604213.

Submission:

Department of Genomics and Clinical Genetics, IRCCS Istituto Giannina Gaslini
Classification: Likely pathogenic for Chudley-McCullough syndrome. Review status: criteria provided, single submitter. Criteria: ACMG Guidelines, 2015. Collection method: clinical testing. Allele origin: maternal. Inheritance: Autosomal recessive inheritance. Affected: yes. Observed: 1 variant allele, 1 heterozygote.
Comment: This variant is absent from gnomAD and is classified as likely pathogenic according to ACMG criteria (Richards et al, 2015) , with a CADD PHRED score of 36 and a deleterious MutationTaster prediction. Notably, CADD PHRED scores greater than 30 indicate variants within the top 0.1% of potentially deleterious substitutions in the human genome.